The following is an entry in ClinVar:

NM_006231.4(POLE):c.4231A>C (p.Ile1411Leu)

Gene: POLE (DNA polymerase epsilon, catalytic subunit; minus strand). Cytogenetic location: 12q24.33.
Variant type: single nucleotide variant.
Coding change: c.4231A>C on transcript NM_006231.4 (MANE Select); coding-DNA position 4231, A replaced by C.
Protein change: p.Ile1411Leu; replaces isoleucine 1411 with leucine.
Molecular consequence: missense variant.
Genome position (GRCh38, 1-based): chr12:132,643,896, T>G on the plus strand (A>C on the coding strand, the complement: POLE is on the minus strand). VCF-style: chr12-132643896-T-G. GRCh37 (hg19) VCF-style: chr12-133220482-T-G.
Other names: c.4231A>C (NM_006231.2); short protein forms I1411L.
Identifiers: ClinVar variation 1520528 (VCV001520528.7), dbSNP rs1233033042, ClinGen allele CA387382097.
Genomic context (GRCh38, chr12:132,643,896, plus strand): 5'-CCTGAGTCTCATATACGCCCTCGATGTCTGGCGCTGACAGCTCAGCGTTGATCTCGTTGA[T>G]GTGTTCCTGGTACATGTCCTCTGGCACTGAATACTCATAGAGATTGTAGACCATGTTGGA-3'
Protein context (NP_006222.2, residues 1401-1421): SVPEDMYQEH[Ile1411Leu]NEINAELSAP

ClinVar aggregate classification (germline): Conflicting classifications of pathogenicity. Review status: criteria provided, conflicting classifications (1 of 4 stars). 2 submissions from 2 submitters: Uncertain significance (1); Likely benign (1). Last evaluated 2025-01-07.

Conditions:
Hereditary cancer-predisposing syndrome. Also called: Hereditary neoplastic syndrome; Hereditary Cancer Syndrome; Tumor predisposition; Neoplastic Syndromes, Hereditary. Identifiers: Orphanet 140162, MedGen C0027672, MeSH D009386, MONDO:0015356.

gnomAD v4.1: 1 of 1,614,170 alleles (0.000062%); highest among the groups gnomAD compares: Non-Finnish European, 0.000085%; no homozygotes.

Submissions (2):

Ambry Genetics
Classification: Likely benign for Hereditary cancer-predisposing syndrome. Last evaluated: 2025-01-07. Review status: criteria provided, single submitter. Criteria: Ambry Variant Classification Scheme 2023. Collection method: clinical testing. Allele origin: germline.

Labcorp Genetics (formerly Invitae), Labcorp
Classification: Uncertain significance. Last evaluated: 2024-11-06. Review status: criteria provided, single submitter. Criteria: Invitae Variant Classification Sherloc (09022015). Collection method: clinical testing. Allele origin: germline.
Comment: This sequence change replaces isoleucine, which is neutral and non-polar, with leucine, which is neutral and non-polar, at codon 1411 of the POLE protein (p.Ile1411Leu). This variant is not present in population databases (gnomAD no frequency). This variant has not been reported in the literature in individuals affected with POLE-related conditions. ClinVar contains an entry for this variant (Variation ID: 1520528). Invitae Evidence Modeling of protein sequence and biophysical properties (such as structural, functional, and spatial information, amino acid conservation, physicochemical variation, residue mobility, and thermodynamic stability) indicates that this missense variant is not expected to disrupt POLE protein function with a negative predictive value of 80%. In summary, the available evidence is currently insufficient to determine the role of this variant in disease. Therefore, it has been classified as a Variant of Uncertain Significance.